The following is an entry in ClinVar:

NM_000263.4(NAGLU):c.418T>C (p.Tyr140His)

Gene: NAGLU (N-acetyl-alpha-glucosaminidase; plus strand). Cytogenetic location: 17q21.2.
Variant type: single nucleotide variant.
Coding change: c.418T>C on transcript NM_000263.4 (MANE Select); coding-DNA position 418, T replaced by C.
Protein change: p.Tyr140His; replaces tyrosine 140 with histidine.
Molecular consequence: missense variant.
Genome position (GRCh38, 1-based): chr17:42,537,432, T>C. VCF-style: chr17-42537432-T-C. GRCh37 (hg19) VCF-style: chr17-40689450-T-C.
Other names: c.418T>C (NM_000263.3); short protein forms Y140H.
Identifiers: ClinVar variation 2419778 (VCV002419778.7), dbSNP rs2092909557, ClinGen allele CA399598058.

ClinVar aggregate classification (germline): Conflicting classifications of pathogenicity. Review status: criteria provided, conflicting classifications (1 of 4 stars). 2 submissions from 2 submitters: Likely pathogenic (1); Uncertain significance (1). Last evaluated 2023-07-12.

Conditions:
Charcot-Marie-Tooth disease axonal type 2V. Also called: CHARCOT-MARIE-TOOTH DISEASE, AXONAL, AUTOSOMAL DOMINANT, TYPE 2V; CHARCOT-MARIE-TOOTH NEUROPATHY, TYPE 2V. Identifiers: Orphanet 447964, MedGen C5569050, MONDO:0014665, OMIM 616491.
Mucopolysaccharidosis, MPS-III-B (MPS3B). Also called: N-ACETYL-ALPHA-D-GLUCOSAMINIDASE DEFICIENCY; NAGLU DEFICIENCY; SANFILIPPO SYNDROME B; MPS IIIB (Sanfilippo Syndrome Type B); MPS III B; Mucopolysaccharidosis type IIIB (Sanfilippo B). Identifiers: Orphanet 79270, MedGen C0086648, MONDO:0009656, OMIM 252920.

Submissions (2):

GeneDx
Classification: Uncertain significance. Last evaluated: 2023-07-12. Review status: criteria provided, single submitter. Criteria: GeneDx Variant Classification Process June 2021. Collection method: clinical testing. Allele origin: germline. Affected: yes.
Comment: Has not been previously published as pathogenic or benign to our knowledge; In silico analysis supports that this missense variant has a deleterious effect on protein structure/function; Not observed at significant frequency in large population cohorts (gnomAD); This variant is associated with the following publications: (PMID: 9950362, 9443875, 14984474, 26907177, 29979746)

Labcorp Genetics (formerly Invitae), Labcorp
Classification: Likely pathogenic for Charcot-Marie-Tooth disease axonal type 2V; Mucopolysaccharidosis, MPS-III-B. Last evaluated: 2022-11-24. Review status: criteria provided, single submitter. Criteria: Invitae Variant Classification Sherloc (09022015). Collection method: clinical testing. Allele origin: germline.
Comment: This variant disrupts the p.Tyr140 amino acid residue in NAGLU. Other variant(s) that disrupt this residue have been determined to be pathogenic (PMID: 9443875, 9950362, 14984474, 26907177). This suggests that this residue is clinically significant, and that variants that disrupt this residue are likely to be disease-causing. This sequence change replaces tyrosine, which is neutral and polar, with histidine, which is basic and polar, at codon 140 of the NAGLU protein (p.Tyr140His). This variant is not present in population databases (gnomAD no frequency). This variant has not been reported in the literature in individuals affected with NAGLU-related conditions. Advanced modeling of protein sequence and biophysical properties (such as structural, functional, and spatial information, amino acid conservation, physicochemical variation, residue mobility, and thermodynamic stability) performed at Invitae indicates that this missense variant is expected to disrupt NAGLU protein function. In summary, the currently available evidence indicates that the variant is pathogenic, but additional data are needed to prove that conclusively. Therefore, this variant has been classified as Likely Pathogenic.

Literature cited by the submitters: PubMed 9443875 (cited by Labcorp Genetics (formerly Invitae), Labcorp); PubMed 9950362 (cited by Labcorp Genetics (formerly Invitae), Labcorp); PubMed 14984474 (cited by Labcorp Genetics (formerly Invitae), Labcorp); PubMed 26907177 (cited by Labcorp Genetics (formerly Invitae), Labcorp).